The following is an entry in ClinVar:

NM_000478.6(ALPL):c.388del (p.Gly129_Val130insTer)

Gene: ALPL (alkaline phosphatase, biomineralization associated; plus strand). Cytogenetic location: 1p36.12.
Variant type: Deletion.
Coding change: c.388del on transcript NM_000478.6 (MANE Select); coding-DNA position 388, one base deleted (G; older notation c.388delG).
Protein change: p.Gly129_Val130insTer.
Molecular consequence: nonsense.
Genome position (GRCh38, 1-based): chr1:21,563,200, G deleted; the last of 5 consecutive G bases (chr1:21,563,196-21,563,200); deleting any one gives the same sequence. VCF-style (leftmost placement, unchanged base first): chr1-21563195-TG-T. GRCh37 (hg19) VCF-style: chr1-21889688-TG-T.
Other names: c.223del, p.Gly74_Val75insTer (NM_001127501.4); c.157del, p.Gly52_Val53insTer (NM_001177520.3); c.388del, p.Gly129_Val130insTer (NM_001369803.2, NM_001369804.2, NM_001369805.2).
Identifiers: ClinVar variation 2709916 (VCV002709916.3), dbSNP rs1644509908, ClinGen allele CA2697552240.

ClinVar aggregate classification (germline): Pathogenic (1 of 4 stars; one submission).

Submission:

Labcorp Genetics (formerly Invitae), Labcorp
Classification: Pathogenic. Last evaluated: 2024-01-17. Review status: criteria provided, single submitter. Criteria: Invitae Variant Classification Sherloc (09022015). Collection method: clinical testing. Allele origin: germline.
Comment: This sequence change creates a premature translational stop signal (p.Val130*) in the ALPL gene. It is expected to result in an absent or disrupted protein product. Loss-of-function variants in ALPL are known to be pathogenic (PMID: 3174660, 10679946, 32973344, 33814268). This variant is not present in population databases (gnomAD no frequency). This variant has not been reported in the literature in individuals affected with ALPL-related conditions. For these reasons, this variant has been classified as Pathogenic.

Literature cited by the submitters: PubMed 3174660; PubMed 10679946; PubMed 32973344; PubMed 33814268.